The following is an entry in ClinVar:

NM_001365999.1(SZT2):c.3281C>T (p.Ala1094Val)

Gene: SZT2 (SZT2 subunit of KICSTOR complex; plus strand). Cytogenetic location: 1p34.2.
Variant type: single nucleotide variant.
Coding change: c.3281C>T on transcript NM_001365999.1 (MANE Select); coding-DNA position 3281, C replaced by T.
Protein change: p.Ala1094Val; replaces alanine 1094 with valine.
Molecular consequence: missense variant.
Genome position (GRCh38, 1-based): chr1:43,426,781, C>T. VCF-style: chr1-43426781-C-T. GRCh37 (hg19) VCF-style: chr1-43892452-C-T.
Other names: c.3110C>T, p.Ala1037Val (NM_015284.4); short protein forms A1037V, A1094V.
Identifiers: ClinVar variation 2140636 (VCV002140636.2), dbSNP rs745780102, ClinGen allele CA808933.

ClinVar aggregate classification (germline): Uncertain significance (1 of 4 stars; one submission).

Allele frequency attached by ClinVar (database versions not stated): ExAC 0.00001; gnomAD 0.00001; gnomAD exomes 0.00001; TOPMed 0.00001.
gnomAD v4.1: 13 of 1,613,714 alleles (0.00081%); highest among the groups gnomAD compares: Non-Finnish European, 0.001%; no homozygotes.

Submission:

Labcorp Genetics (formerly Invitae), Labcorp
Classification: Uncertain significance. Last evaluated: 2025-01-20. Review status: criteria provided, single submitter. Criteria: Invitae Variant Classification Sherloc (09022015). Collection method: clinical testing. Allele origin: germline.
Comment: This sequence change replaces alanine, which is neutral and non-polar, with valine, which is neutral and non-polar, at codon 1037 of the SZT2 protein (p.Ala1037Val). This variant is present in population databases (rs745780102, gnomAD 0.002%). This variant has not been reported in the literature in individuals affected with SZT2-related conditions. ClinVar contains an entry for this variant (Variation ID: 2140636). Invitae Evidence Modeling of protein sequence and biophysical properties (such as structural, functional, and spatial information, amino acid conservation, physicochemical variation, residue mobility, and thermodynamic stability) indicates that this missense variant is not expected to disrupt SZT2 protein function with a negative predictive value of 80%. In summary, the available evidence is currently insufficient to determine the role of this variant in disease. Therefore, it has been classified as a Variant of Uncertain Significance.